The following is an entry in ClinVar:

ClinVar aggregate classification (germline): Uncertain significance (1 of 4 stars; one submission).

Allele frequency attached by ClinVar (database versions not stated): gnomAD 0.00002; 1000 Genomes Project 0.00020; ExAC 0.00001; TOPMed 0.00005; gnomAD exomes 0.00001; 1000 Genomes Project 30x 0.00016.
gnomAD v4.1: 16 of 1,614,188 alleles (0.00099%); highest among the groups gnomAD compares: East Asian, 0.031%; no homozygotes.

Submission:

Labcorp Genetics (formerly Invitae), Labcorp
Classification: Uncertain significance. Last evaluated: 2025-12-01. Review status: criteria provided, single submitter. Criteria: Invitae Variant Classification Sherloc (09022015). Collection method: clinical testing. Allele origin: germline.
Comment: This sequence change replaces glutamic acid, which is acidic and polar, with aspartic acid, which is acidic and polar, at codon 3450 of the TRRAP protein (p.Glu3450Asp). This variant is present in population databases (rs536711635, gnomAD 0.03%). This variant has not been reported in the literature in individuals affected with TRRAP-related conditions. ClinVar contains an entry for this variant (Variation ID: 2891742). Invitae Evidence Modeling of protein sequence and biophysical properties (such as structural, functional, and spatial information, amino acid conservation, physicochemical variation, residue mobility, and thermodynamic stability) indicates that this missense variant is not expected to disrupt TRRAP protein function with a negative predictive value of 80%. In summary, the available evidence is currently insufficient to determine the role of this variant in disease. Therefore, it has been classified as a Variant of Uncertain Significance.

NM_001375524.1(TRRAP):c.10479A>T (p.Glu3493Asp)

Gene: TRRAP (transformation/transcription domain associated protein; plus strand). Cytogenetic location: 7q22.1.
Variant type: single nucleotide variant.
Coding change: c.10479A>T on transcript NM_001375524.1 (MANE Select); coding-DNA position 10479, A replaced by T.
Protein change: p.Glu3493Asp; replaces glutamic acid 3493 with aspartic acid.
Molecular consequence: missense variant.
Genome position (GRCh38, 1-based): chr7:99,004,359, A>T. VCF-style: chr7-99004359-A-T. GRCh37 (hg19) VCF-style: chr7-98601982-A-T.
Other names: c.10437A>T, p.Glu3479Asp (NM_001244580.2); c.10350A>T, p.Glu3450Asp (NM_003496.4); short protein forms E3493D, E3450D, E3479D.
Identifiers: ClinVar variation 2891742 (VCV002891742.3), dbSNP rs536711635, ClinGen allele CA4361915.